The following is an entry in ClinVar:

ClinVar aggregate classification (germline): Pathogenic. Review status: criteria provided, multiple submitters, no conflicts (2 of 4 stars). 9 submissions from 8 submitters: Pathogenic (8). 1 of the submissions does not count toward it. Last evaluated 2025-06-29.

Conditions:
Sotos syndrome (SOTOS). Also called: CHROMOSOME 5q35 DELETION SYNDROME; CEREBRAL GIGANTISM; Sotos' syndrome; Distinctive facial appearance, overgrowth in childhood, and learning disabilities or delayed development; SOTOS SYNDROME 1. Identifiers: Orphanet 821, MedGen C0175695, MONDO:0019349, OMIM 117550.

Submissions (9):

3billion
Classification: Pathogenic for Sotos syndrome. Last evaluated: 2025-06-29. Review status: criteria provided, single submitter. Criteria: ACMG Guidelines, 2015. Collection method: clinical testing. Allele origin: germline. Affected: yes.
Comment: The variant is not observed in the gnomAD v4.1.0 dataset. Predicted Consequence/Location: Missense variant In silico tool predictions suggest damaging effect of the variant on gene or gene product [REVEL: 0.91 (>=0.6, sensitivity 0.68 and specificity 0.92); 3Cnet: 0.99 (> 0.75, sensitivity 0.96 and precision 0.92)]. The same nucleotide change resulting in the same amino acid change has been previously reported as pathogenic/likely pathogenic with strong evidence (ClinVar ID: VCV000159397 /PMID: 12807965 /3billion dataset). A different missense change at the same codon (p.Arg2017Gln) has been reported as pathogenic/likely pathogenic with strong evidence (ClinVar ID: VCV000159398 /PMID: 12464997). Therefore, this variant is classified as Pathogenic according to the recommendation of ACMG/AMP guideline.

Labcorp Genetics (formerly Invitae), Labcorp
Classification: Pathogenic. Last evaluated: 2022-08-24. Review status: criteria provided, single submitter. Criteria: Invitae Variant Classification Sherloc (09022015). Collection method: clinical testing. Allele origin: germline.
Comment: This sequence change replaces arginine, which is basic and polar, with tryptophan, which is neutral and slightly polar, at codon 2017 of the NSD1 protein (p.Arg2017Trp). This variant is not present in population databases (gnomAD no frequency). This missense change has been observed in individual(s) with Sotos syndrome (PMID: 12807965, 15942875, 26690673). In at least one individual the variant was observed to be de novo. ClinVar contains an entry for this variant (Variation ID: 159397). Advanced modeling of protein sequence and biophysical properties (such as structural, functional, and spatial information, amino acid conservation, physicochemical variation, residue mobility, and thermodynamic stability) performed at Invitae indicates that this missense variant is expected to disrupt NSD1 protein function. Experimental studies have shown that this missense change affects NSD1 function (PMID: 24412544). For these reasons, this variant has been classified as Pathogenic.

Dasa
Classification: Pathogenic. Last evaluated: 2022-03-25. Review status: criteria provided, single submitter. Criteria: ACMG Guidelines, 2015. Collection method: clinical testing. Allele origin: germline. Affected: yes. Observed: 1 variant allele.
Comment: Well-established in vitro or in vivo functional studies supportive of a damaging effect on the gene or gene product (PMID: 24412544) - PS3_supporting. The c.6049C>T;p.(Arg2017Trp) missense change has been observed in affected individual(s) and ClinVar contains an entry for this variant (ClinVar ID: 159397; PMID: 12807965; PMID: 15942875; PMID: 26690673)-PS4. The variant is located in a mutational hot spot and/or critical and well-established functional domain (SET) - PM1. This variant is not present in population databases (rs587784176- gnomAD; ABraOM no frequency.) - PM2. Pathogenic missense variant in this residue have been reported (ClinVar ID: 159398) - PM5. The variant was assumed de novo, but without confirmation of paternity and maternity (PMID: 12807965) - PM6. Multiple lines of computational evidence support a deleterious effect on the gene or gene product - PP3. In summary, the currently available evidence indicates that the variant is pathogenic

Genome-Nilou Lab
Classification: Pathogenic for Sotos syndrome. Last evaluated: 2021-07-15. Review status: criteria provided, single submitter. Criteria: ACMG Guidelines, 2015. Collection method: clinical testing. Allele origin: germline. Affected: no.

CeGaT Center for Human Genetics Tuebingen
Classification: Pathogenic. Last evaluated: 2021-05-01. Review status: criteria provided, single submitter. Criteria: CeGaT Center For Human Genetics Tuebingen Variant Classification Criteria Version 2. Collection method: clinical testing. Allele origin: germline. Affected: yes. Observed: 1 variant allele.

Eurofins Ntd Llc (ga)
Classification: Pathogenic. Last evaluated: 2014-07-15. Review status: criteria provided, single submitter. Criteria: EGL Classification Definitions 2015. Collection method: clinical testing. Allele origin: germline.

Genetic Services Laboratory, University of Chicago
Classification: Pathogenic for Sotos syndrome 1. Last evaluated: 2013-02-08. Review status: criteria provided, single submitter. Criteria: ACMG Guidelines, 2007. Collection method: clinical testing. Allele origin: germline. Inheritance: Autosomal dominant inheritance. Affected: yes.

Juno Genomics, Hangzhou Juno Genomics, Inc
Classification: Pathogenic for Sotos syndrome. Review status: criteria provided, single submitter. Criteria: ACMG Guidelines, 2015. Collection method: clinical testing. Allele origin: germline. Affected: yes.
Comment: Absent from controls (or at extremely low frequency if recessive) in Genome Aggregation Database, Exome Sequencing Project, 1000 Genomes Project, or Exome Aggregation Consortium.;Missense variant in a gene that has a low rate of benign missense variation and where missense variants are a common mechanism of disease.;Located in a mutational hot spot and/or critical and well-established functional domain (e.g. active site of an enzyme) without benign variation.;Multiple lines of computational evidence support a deleterious effect on the gene or gene product (conservation, evolutionary, splicing impact, etc).;The prevalence of the variant in affected individuals is significantly increased compared to the prevalence in controls.;De novo (both maternity and paternity confirmed) in a patient with the disease and no family history.

Labcorp Genetics (formerly Invitae), Labcorp
Classification: Pathogenic. Last evaluated: 2022-08-24. Review status: flagged submission. Criteria: Invitae Variant Classification Sherloc (09022015). Collection method: clinical testing. Allele origin: germline. Not counted in ClinVar's aggregate classification.
Comment: the same text as in the submission from Labcorp Genetics (formerly Invitae), Labcorp above.
ClinVar note: Reason: This record appears to be redundant with a more recent record from the same submitter.
ClinVar note: Notes: SCV001578446 appears to be redundant with SCV000749449.

Literature cited by the submitters: PubMed 12807965 (cited by 4 submitters); PubMed 12464997 (cited by 3billion); PubMed 15942875 (cited by 3 submitters); PubMed 26690673 (cited by Labcorp Genetics (formerly Invitae), Labcorp and Dasa); PubMed 24412544 (cited by Labcorp Genetics (formerly Invitae), Labcorp and Dasa); PubMed 16247291 (cited by Eurofins Ntd Llc (ga)).

NM_022455.5(NSD1):c.6049C>T (p.Arg2017Trp)

Gene: NSD1 (nuclear receptor binding SET domain protein 1; plus strand). Cytogenetic location: 5q35.3.
Variant type: single nucleotide variant.
Coding change: c.6049C>T on transcript NM_022455.5 (MANE Select); coding-DNA position 6049, C replaced by T.
Protein change: p.Arg2017Trp; replaces arginine 2017 with tryptophan.
Molecular consequence: missense variant.
Genome position (GRCh38, 1-based): chr5:177,283,826, C>T. VCF-style: chr5-177283826-C-T. GRCh37 (hg19) VCF-style: chr5-176710827-C-T.
Other names: c.5176C>T, p.Arg1726Trp (NM_172349.5, NM_001365684.2, NM_001409308.1); c.6049C>T, p.Arg2017Trp (NM_001409301.1, NM_001409302.1, NM_001409303.1); c.5629C>T, p.Arg1877Trp (NM_001409304.1); c.5296C>T, p.Arg1766Trp (NM_001409305.1); c.5287C>T, p.Arg1763Trp (NM_001409306.1, NM_001409307.1); short protein forms R2017W, R1748W, R1726W, R1766W, R1763W, R1877W.
Identifiers: ClinVar variation 159397 (VCV000159397.55), dbSNP rs587784176, ClinGen allele CA295029.